The following is an entry in ClinVar:

NM_017617.5(NOTCH1):c.5756G>A (p.Ser1919Asn)

Gene: NOTCH1 (notch receptor 1; minus strand). Cytogenetic location: 9q34.3.
Variant type: single nucleotide variant.
Coding change: c.5756G>A on transcript NM_017617.5 (MANE Select); coding-DNA position 5756, G replaced by A.
Protein change: p.Ser1919Asn; replaces serine 1919 with asparagine.
Molecular consequence: missense variant.
Genome position (GRCh38, 1-based): chr9:136,500,730, C>T on the plus strand (G>A on the coding strand, the complement: NOTCH1 is on the minus strand). VCF-style: chr9-136500730-C-T. GRCh37 (hg19) VCF-style: chr9-139395182-C-T.
Other names: short protein forms S1919N.
Identifiers: ClinVar variation 1749451 (VCV001749451.2), dbSNP rs2133326295, ClinGen allele CA375637323.

ClinVar aggregate classification (germline): Uncertain significance (1 of 4 stars; one submission).

Conditions:
Familial thoracic aortic aneurysm and aortic dissection (TAAD). Also called: Thoracic aortic aneurysms and dissections. Identifiers: Orphanet 91387, MedGen C4707243, MONDO:0019625.

Allele frequency attached by ClinVar (database versions not stated): gnomAD exomes below 0.00001.
gnomAD v4.1: 1 of 1,608,142 alleles (0.000062%); highest among the groups gnomAD compares: East Asian, 0.0022%; no homozygotes.

Submission:

Ambry Genetics
Classification: Uncertain significance for Familial thoracic aortic aneurysm and aortic dissection. Last evaluated: 2022-02-07. Review status: criteria provided, single submitter. Criteria: Ambry Variant Classification Scheme 2023. Collection method: clinical testing. Allele origin: germline.
Comment: The p.S1919N variant (also known as c.5756G>A), located in coding exon 31 of the NOTCH1 gene, results from a G to A substitution at nucleotide position 5756. The serine at codon 1919 is replaced by asparagine, an amino acid with highly similar properties. This amino acid position is conserved. In addition, this alteration is predicted to be tolerated by in silico analysis. Since supporting evidence is limited at this time, the clinical significance of this alteration remains unclear.